The following is an entry in ClinVar:

ClinVar aggregate classification (germline): Conflicting classifications of pathogenicity. Review status: criteria provided, conflicting classifications (1 of 4 stars). 3 submissions from 3 submitters: Uncertain significance (2); Likely benign (1). Last evaluated 2025-12-22.

Conditions:
Cardiovascular phenotype. Identifiers: MedGen CN230736.
FLNC-related disorder. Also called: FLNC-related condition; FLNC-related disorders.
Distal myopathy with posterior leg and anterior hand involvement. Also called: WILLIAMS DISTAL MYOPATHY. Identifiers: Orphanet 63273, MedGen C3279722, MONDO:0013550, OMIM 614065.
Dilated Cardiomyopathy, Dominant.
Hypertrophic cardiomyopathy 26. Also called: Cardiomyopathy, familial hypertrophic, 26. Identifiers: Orphanet 75249, MedGen C4310749, MONDO:0014883, OMIM 617047.
Myofibrillar myopathy 5. Also called: Filaminopathy (type); FILAMINOPATHY, AUTOSOMAL DOMINANT. Identifiers: Orphanet 171445, MedGen C1836050, MONDO:0012289, OMIM 609524.

Allele frequency attached by ClinVar (database versions not stated): gnomAD 0.00001; gnomAD exomes 0.00001; TOPMed 0.00002.
gnomAD v4.1: 12 of 1,613,568 alleles (0.00074%); highest among the groups gnomAD compares: African/African-American, 0.0013%; no homozygotes.

Submissions (3):

Ambry Genetics
Classification: Uncertain significance for Cardiovascular phenotype. Last evaluated: 2025-12-22. Review status: criteria provided, single submitter. Criteria: Ambry Variant Classification Scheme 2023. Collection method: clinical testing. Allele origin: germline.
Comment: The c.2811+3G>A intronic variant results from a G to A substitution 3 nucleotides after coding exon 18 in the FLNC gene. This nucleotide position is not well conserved in available vertebrate species. In silico splice site analysis predicts that this alteration will not have any significant effect on splicing. Based on the available evidence, the clinical significance of this variant remains unclear.

PreventionGenetics, part of Exact Sciences
Classification: Likely benign for FLNC-related condition. Last evaluated: 2025-12-16. Review status: criteria provided, single submitter. Criteria: ACMG Guidelines, 2015. Collection method: clinical testing. Allele origin: germline.
Comment: This variant is classified as likely benign based on ACMG/AMP sequence variant interpretation guidelines (Richards et al. 2015 PMID: 25741868, with internal and published modifications).

Labcorp Genetics (formerly Invitae), Labcorp
Classification: Uncertain significance for Distal myopathy with posterior leg and anterior hand involvement; Myofibrillar myopathy 5; Hypertrophic cardiomyopathy 26. Last evaluated: 2024-01-20. Review status: criteria provided, single submitter. Criteria: Invitae Variant Classification Sherloc (09022015). Collection method: clinical testing. Allele origin: germline.
Comment: This sequence change falls in intron 18 of the FLNC gene. It does not directly change the encoded amino acid sequence of the FLNC protein. It affects a nucleotide within the consensus splice site. This variant is not present in population databases (gnomAD no frequency). This variant has not been reported in the literature in individuals affected with FLNC-related conditions. ClinVar contains an entry for this variant (Variation ID: 1796332). Variants that disrupt the consensus splice site are a relatively common cause of aberrant splicing (PMID: 17576681, 9536098). Algorithms developed to predict the effect of sequence changes on RNA splicing suggest that this variant is not likely to affect RNA splicing. In summary, the available evidence is currently insufficient to determine the role of this variant in disease. Therefore, it has been classified as a Variant of Uncertain Significance.

Literature cited by the submitters: PubMed 17576681 (cited by Labcorp Genetics (formerly Invitae), Labcorp); PubMed 9536098 (cited by Labcorp Genetics (formerly Invitae), Labcorp).

NM_001458.5(FLNC):c.2811+3G>A

Gene: FLNC (filamin C; plus strand). Cytogenetic location: 7q32.1.
Variant type: single nucleotide variant.
Coding change: c.2811+3G>A on transcript NM_001458.5 (MANE Select); 3 bases into the intron after coding-DNA position 2811, G replaced by A.
Molecular consequence: intron variant.
Genome position (GRCh38, 1-based): chr7:128,843,580, G>A. VCF-style: chr7-128843580-G-A. GRCh37 (hg19) VCF-style: chr7-128483634-G-A.
Other names: c.2811+3G>A (NM_001127487.2).
Identifiers: ClinVar variation 1796332 (VCV001796332.5), dbSNP rs112904537, ClinGen allele CA166176752.